The following is an entry in ClinVar:

NM_002485.5(NBN):c.22G>C (p.Ala8Pro)

Gene: NBN (nibrin; minus strand). Cytogenetic location: 8q21.3.
Variant type: single nucleotide variant.
Coding change: c.22G>C on transcript NM_002485.5 (MANE Select); coding-DNA position 22, G replaced by C.
Protein change: p.Ala8Pro; replaces alanine 8 with proline.
Molecular consequence: missense variant. On other transcripts: 5 prime UTR variant (1).
Genome position (GRCh38, 1-based): chr8:89,984,540, C>G on the plus strand (G>C on the coding strand, the complement: NBN is on the minus strand). VCF-style: chr8-89984540-C-G. GRCh37 (hg19) VCF-style: chr8-90996768-C-G.
Other names: c.-275G>C (NM_001024688.3); short protein forms A8P.
Identifiers: ClinVar variation 2708905 (VCV002708905.3), dbSNP rs2129938188, ClinGen allele CA371664167.

ClinVar aggregate classification (germline): Uncertain significance (1 of 4 stars; one submission).

Conditions:
Microcephaly, normal intelligence and immunodeficiency (NBS). Also called: Immunodeficiency, microcephaly with normal intelligence; Ataxia telangiectasia variant V1; IMMUNODEFICIENCY, MICROCEPHALY, AND CHROMOSOMAL INSTABILITY; SEEMANOVA SYNDROME II; Nijmegen breakage syndrome; Microcephaly with normal intelligence immunodeficiency and lymphoreticular malignancies. Identifiers: Orphanet 647, MedGen C0398791, MONDO:0009623, OMIM 251260.

Submission:

Labcorp Genetics (formerly Invitae), Labcorp
Classification: Uncertain significance for Microcephaly, normal intelligence and immunodeficiency. Last evaluated: 2024-01-11. Review status: criteria provided, single submitter. Criteria: Invitae Variant Classification Sherloc (09022015). Collection method: clinical testing. Allele origin: germline.
Comment: This sequence change replaces alanine, which is neutral and non-polar, with proline, which is neutral and non-polar, at codon 8 of the NBN protein (p.Ala8Pro). This variant is not present in population databases (gnomAD no frequency). This variant has not been reported in the literature in individuals affected with NBN-related conditions. An algorithm developed to predict the effect of missense changes on protein structure and function (PolyPhen-2) suggests that this variant is likely to be disruptive. In summary, the available evidence is currently insufficient to determine the role of this variant in disease. Therefore, it has been classified as a Variant of Uncertain Significance.